The following is an entry in ClinVar:

ClinVar aggregate classification (germline): Uncertain significance. Review status: criteria provided, multiple submitters, no conflicts (2 of 4 stars). 2 submissions from 2 submitters: Uncertain significance (2). Last evaluated 2025-11-24.

Conditions:
Inborn genetic diseases. Identifiers: MedGen C0950123, MeSH D030342.

Allele frequency attached by ClinVar (database versions not stated): TOPMed 0.00001; ExAC 0.00003; gnomAD 0.00003; gnomAD exomes 0.00004.
gnomAD v4.1: 62 of 1,614,068 alleles (0.0038%); highest among the groups gnomAD compares: Middle Eastern, 0.066%; no homozygotes.

Submissions (2):

Ambry Genetics
Classification: Uncertain significance for Inborn genetic diseases. Last evaluated: 2025-11-24. Review status: criteria provided, single submitter. Criteria: Ambry Variant Classification Scheme 2023. Collection method: clinical testing. Allele origin: germline.

CeGaT Center for Human Genetics Tuebingen
Classification: Uncertain significance. Last evaluated: 2024-09-01. Review status: criteria provided, single submitter. Criteria: CeGaT Center For Human Genetics Tuebingen Variant Classification Criteria Version 2. Collection method: clinical testing. Allele origin: germline. Affected: yes. Observed: 1 variant allele.
Comment: SASH1: PM2, BP4

NM_015278.5(SASH1):c.2432G>A (p.Arg811Gln)

Gene: SASH1 (SAM and SH3 domain containing 1; plus strand). Cytogenetic location: 6q25.1.
Variant type: single nucleotide variant.
Coding change: c.2432G>A on transcript NM_015278.5 (MANE Select); coding-DNA position 2432, G replaced by A.
Protein change: p.Arg811Gln; replaces arginine 811 with glutamine.
Molecular consequence: missense variant.
Genome position (GRCh38, 1-based): chr6:148,543,902, G>A. VCF-style: chr6-148543902-G-A. GRCh37 (hg19) VCF-style: chr6-148865038-G-A.
Other names: c.2297G>A, p.Arg766Gln (NM_001346505.2); c.2060G>A, p.Arg687Gln (NM_001346506.2); c.1715G>A, p.Arg572Gln (NM_001346507.2); c.2204G>A, p.Arg735Gln (NM_001346508.2); c.2081G>A, p.Arg694Gln (NM_001346509.2); short protein forms R687Q, R694Q, R811Q, R572Q, R735Q, R766Q.
Identifiers: ClinVar variation 2516516 (VCV002516516.16), dbSNP rs748448028, ClinGen allele CA4040598.
Genomic context (GRCh38, chr6:148,543,902, plus strand): 5'-TTGCCCCAGACACGTCCAAGAGCTGTGACCCACCTGGTGTGACTGGTTTGAATAAAAACC[G>A]AAGAAGCCTCCCAGTTTCCATCTGCCGGAGCTGTGAGACCCTGGAGGGCCCCCAGACTGT-3'
Protein context (NP_056093.3, residues 801-821): PPGVTGLNKN[Arg811Gln]RSLPVSICRS